The following is an entry in ClinVar:

ClinVar aggregate classification (germline): Uncertain significance (1 of 4 stars; one submission).

Allele frequency attached by ClinVar (database versions not stated): gnomAD exomes 0.00001.
gnomAD v4.1: 19 of 1,613,882 alleles (0.0012%); highest among the groups gnomAD compares: Non-Finnish European, 0.0016%; no homozygotes.

Submission:

GeneDx
Classification: Uncertain significance. Last evaluated: 2022-05-10. Review status: criteria provided, single submitter. Criteria: GeneDx Variant Classification Process June 2021. Collection method: clinical testing. Allele origin: germline. Affected: yes.
Comment: In silico analysis supports that this missense variant does not alter protein structure/function; Has not been previously published as pathogenic or benign to our knowledge

NM_206933.4(USH2A):c.5693T>C (p.Val1898Ala)

Genes: USH2A (usherin; minus strand), USH2A-AS2 (USH2A antisense RNA 2; plus strand). Cytogenetic location: 1q41.
Variant type: single nucleotide variant.
Coding change: c.5693T>C on transcript NM_206933.4 (MANE Select); coding-DNA position 5693, T replaced by C.
Protein change: p.Val1898Ala; replaces valine 1898 with alanine.
Molecular consequence: missense variant.
Genome position (GRCh38, 1-based): chr1:216,073,180, A>G on the plus strand (T>C on the coding strand, the complement: USH2A is on the minus strand). VCF-style: chr1-216073180-A-G. GRCh37 (hg19) VCF-style: chr1-216246522-A-G.
Other names: short protein forms V1898A.
Identifiers: ClinVar variation 1723710 (VCV001723710.2), dbSNP rs1334100549, ClinGen allele CA344854369.